The following is an entry in ClinVar:

NM_031935.3(HMCN1):c.2935+4AG[3]

Gene: HMCN1 (hemicentin 1; plus strand). Cytogenetic location: 1q31.1.
Variant type: Microsatellite.
Coding change: c.2935+4AG[3] on transcript NM_031935.3 (MANE Select); three copies in a row of the 2-base unit AG starting at c.2935+4.
Molecular consequence: intron variant.
Genome position: GRCh38 VCF-style: chr1-185984316-A-AAG. GRCh37 (hg19) VCF-style: chr1-185953448-A-AAG.
Other names: c.2935+7_2935+8dupGA (NM_031935.2).
Identifiers: ClinVar variation 1635669 (VCV001635669.11), dbSNP rs373061524, ClinGen allele CA1291560.

ClinVar aggregate classification (germline): Benign/Likely benign. Review status: criteria provided, multiple submitters, no conflicts (2 of 4 stars). 3 submissions from 3 submitters: Benign (1); Likely benign (1). 1 of the submissions does not count toward it. Last evaluated 2025-12-28.

Conditions:
HMCN1-related disorder. Also called: HMCN1-related condition.

Submissions (3):

Labcorp Genetics (formerly Invitae), Labcorp
Classification: Benign. Last evaluated: 2025-12-28. Review status: criteria provided, single submitter. Criteria: Invitae Variant Classification Sherloc (09022015). Collection method: clinical testing. Allele origin: germline.

Blueprint Genetics
Classification: Likely benign. Last evaluated: 2024-10-17. Review status: criteria provided, single submitter. Criteria: ACMG Guidelines, 2015. Collection method: clinical testing. Allele origin: germline.

PreventionGenetics, part of Exact Sciences
Classification: Benign for HMCN1-related condition. Last evaluated: 2019-08-07. Review status: no assertion criteria provided. Collection method: clinical testing. Allele origin: germline. Not counted in ClinVar's aggregate classification.
Comment: This variant is classified as benign based on ACMG/AMP sequence variant interpretation guidelines (Richards et al. 2015 PMID: 25741868, with internal and published modifications).